The following is an entry in ClinVar:

ClinVar aggregate classification (germline): Uncertain significance (1 of 4 stars; one submission).

Submission:

CeGaT Center for Human Genetics Tuebingen
Classification: Uncertain significance. Last evaluated: 2026-06-01. Review status: criteria provided, single submitter. Criteria: CeGaT Center For Human Genetics Tuebingen Variant Classification Criteria Version 2. Collection method: clinical testing. Allele origin: germline. Affected: yes. Observed: 1 variant allele.
Comment: PRKD1: PM2, PM5, PP3

NM_002742.3(PRKD1):c.812A>G (p.His271Arg)

Gene: PRKD1 (protein kinase D1; minus strand). Cytogenetic location: 14q12.
Variant type: single nucleotide variant.
Coding change: c.812A>G on transcript NM_002742.3 (MANE Select); coding-DNA position 812, A replaced by G.
Protein change: p.His271Arg; replaces histidine 271 with arginine.
Molecular consequence: missense variant.
Genome position (GRCh38, 1-based): chr14:29,638,789, T>C on the plus strand (A>G on the coding strand, the complement: PRKD1 is on the minus strand). VCF-style: chr14-29638789-T-C. GRCh37 (hg19) VCF-style: chr14-30107995-T-C.
Other names: c.836A>G, p.His279Arg (NM_001330069.2); c.548A>G, p.His183Arg (NM_001348390.1); short protein forms H183R, H271R, H279R.
Identifiers: ClinVar variation 4875344 (VCV004875344.2).